The following is an entry in ClinVar:

NM_006766.5(KAT6A):c.952A>G (p.Lys318Glu)

Gene: KAT6A (lysine acetyltransferase 6A; minus strand). Cytogenetic location: 8p11.21.
Variant type: single nucleotide variant.
Coding change: c.952A>G on transcript NM_006766.5 (MANE Select); coding-DNA position 952, A replaced by G.
Protein change: p.Lys318Glu; replaces lysine 318 with glutamic acid.
Molecular consequence: missense variant.
Genome position (GRCh38, 1-based): chr8:41,978,733, T>C on the plus strand (A>G on the coding strand, the complement: KAT6A is on the minus strand). VCF-style: chr8-41978733-T-C. GRCh37 (hg19) VCF-style: chr8-41836251-T-C.
Other names: c.952A>G, p.Lys318Glu (NM_001305878.2); short protein forms K318E.
Identifiers: ClinVar variation 4699716 (VCV004699716.1).

ClinVar aggregate classification (germline): Uncertain significance (1 of 4 stars; one submission).

Submission:

Labcorp Genetics (formerly Invitae), Labcorp
Classification: Uncertain significance. Last evaluated: 2025-08-04. Review status: criteria provided, single submitter. Criteria: Invitae Variant Classification Sherloc (09022015). Collection method: clinical testing. Allele origin: germline.
Comment: This sequence change replaces lysine, which is basic and polar, with glutamic acid, which is acidic and polar, at codon 318 of the KAT6A protein (p.Lys318Glu). This variant is not present in population databases (gnomAD no frequency). This variant has not been reported in the literature in individuals affected with KAT6A-related conditions. Invitae Evidence Modeling of protein sequence and biophysical properties (such as structural, functional, and spatial information, amino acid conservation, physicochemical variation, residue mobility, and thermodynamic stability) indicates that this missense variant is not expected to disrupt KAT6A protein function with a negative predictive value of 95%. In summary, the available evidence is currently insufficient to determine the role of this variant in disease. Therefore, it has been classified as a Variant of Uncertain Significance.